The following is an entry in ClinVar:

NM_000383.4(AIRE):c.1522G>T (p.Glu508Ter)

Genes: AIRE (autoimmune regulator; plus strand), LOC130066813 (ATAC-STARR-seq lymphoblastoid silent region 13378; plus strand). Cytogenetic location: 21q22.3.
Variant type: single nucleotide variant.
Coding change: c.1522G>T on transcript NM_000383.4 (MANE Select); coding-DNA position 1522, G replaced by T.
Protein change: p.Glu508Ter; replaces glutamic acid 508 with a stop codon.
Molecular consequence: nonsense.
Genome position (GRCh38, 1-based): chr21:44,296,401, G>T. VCF-style: chr21-44296401-G-T. GRCh37 (hg19) VCF-style: chr21-45716284-G-T.
Other names: short protein forms E508*.
Identifiers: ClinVar variation 2013439 (VCV002013439.4), dbSNP rs966636123, ClinGen allele CA410426096.

ClinVar aggregate classification (germline): Pathogenic (1 of 4 stars; one submission).

Conditions:
Polyglandular autoimmune syndrome, type 1 (APS1). Also called: AUTOIMMUNE POLYENDOCRINE SYNDROME, TYPE I, WITH OR WITHOUT REVERSIBLE METAPHYSEAL DYSPLASIA; APS I; Autoimmune polyendocrine syndrome type 1; Whitaker syndrome; HYPOADRENOCORTICISM WITH HYPOPARATHYROIDISM AND SUPERFICIAL MONILIASIS; Autoimmune polyendocrinopathy syndrome , type I, with or without reversible metaphyseal dysplasia. Identifiers: Orphanet 3453, MedGen C0085859, MONDO:0009411, OMIM 240300.

Submission:

Labcorp Genetics (formerly Invitae), Labcorp
Classification: Pathogenic for Polyglandular autoimmune syndrome, type 1. Last evaluated: 2022-07-03. Review status: criteria provided, single submitter. Criteria: Invitae Variant Classification Sherloc (09022015). Collection method: clinical testing. Allele origin: germline.
Comment: For these reasons, this variant has been classified as Pathogenic. This variant disrupts a region of the AIRE protein in which other variant(s) (p.Pro539Leu) have been determined to be pathogenic (PMID: 11836330, 15811934, 17289071, 17675238, 21295522, 28446514). This suggests that this is a clinically significant region of the protein, and that variants that disrupt it are likely to be disease-causing. This variant has not been reported in the literature in individuals affected with AIRE-related conditions. This variant is not present in population databases (gnomAD no frequency). This sequence change creates a premature translational stop signal (p.Glu508*) in the AIRE gene. While this is not anticipated to result in nonsense mediated decay, it is expected to disrupt the last 38 amino acid(s) of the AIRE protein.

Literature cited by the submitters: PubMed 11836330; PubMed 15811934; PubMed 17289071; PubMed 17675238; PubMed 21295522; PubMed 28446514.